The following is an entry in ClinVar:

NM_015386.3(COG4):c.172-7_172-6del

Gene: COG4 (component of oligomeric golgi complex 4; minus strand). Cytogenetic location: 16q22.1.
Variant type: Microsatellite.
Coding change: c.172-7_172-6del on transcript NM_015386.3 (MANE Select); 7 bases into the intron before coding-DNA position 172 through 6 bases into the intron before coding-DNA position 172, 2 bases deleted (GT; older notation c.172-7_172-6delGT).
Molecular consequence: intron variant.
Genome position (GRCh38, 1-based): chr16:70,519,737-70,519,738, AC deleted on the plus strand (GT on the coding strand, the reverse complement: COG4 is on the minus strand); deleting any 2 consecutive bases within chr16:70,519,737-70,519,741 gives the same sequence; the c. name uses the placement nearest the transcript's 3' end. VCF-style (leftmost placement, unchanged base first): chr16-70519736-AAC-A. GRCh37 (hg19) VCF-style: chr16-70553639-AAC-A.
Other names: c.160-7_160-6del (NM_001195139.2); c.-428-7_-428-6del (NM_001365426.1).
Identifiers: ClinVar variation 3368294 (VCV003368294.1).

ClinVar aggregate classification (germline): Uncertain significance (1 of 4 stars; one submission).

Submission:

GeneDx
Classification: Uncertain significance. Last evaluated: 2024-01-23. Review status: criteria provided, single submitter. Criteria: GeneDx Variant Classification Process June 2021. Collection method: clinical testing. Allele origin: germline. Affected: yes.
Comment: Has not been previously published as pathogenic or benign to our knowledge; In silico analysis suggests this variant may impact gene splicing. In the absence of RNA/functional studies, the actual effect of this sequence change is unknown.